The following is an entry in ClinVar:

NM_001037333.3(CYFIP2):c.606G>T (p.Gln202His)

Gene: CYFIP2 (cytoplasmic FMR1 interacting protein 2; plus strand). Cytogenetic location: 5q33.3.
Variant type: single nucleotide variant.
Coding change: c.606G>T on transcript NM_001037333.3 (MANE Select); coding-DNA position 606, G replaced by T.
Protein change: p.Gln202His; replaces glutamine 202 with histidine.
Molecular consequence: missense variant.
Genome position (GRCh38, 1-based): chr5:157,302,830, G>T. VCF-style: chr5-157302830-G-T. GRCh37 (hg19) VCF-style: chr5-156729838-G-T.
Other names: c.528G>T, p.Gln176His (NM_001291721.2); c.606G>T, p.Gln202His (NM_001291722.2, NM_014376.4); short protein forms Q176H, Q202H.
Identifiers: ClinVar variation 1311184 (VCV001311184.2), dbSNP rs2113895252, ClinGen allele CA361966939.
Genomic context (GRCh38, chr5:157,302,830, plus strand): 5'-CAGCACCCACTATCTGCGTTTCAGGGCAGCACAGTTCCTGCGGAAGATGGCAGATCCCCA[G>T]TCTATCCAGGAGTCGCAGAACCTTTCCATGTTCCTGGCCAACCACAACAGGATCACCCAG-3'
Protein context (NP_001032410.1, residues 192-212): AQFLRKMADP[Gln202His]SIQESQNLSM

ClinVar aggregate classification (germline): Uncertain significance (1 of 4 stars; one submission).

Submission:

GeneDx
Classification: Uncertain significance. Last evaluated: 2019-12-17. Review status: criteria provided, single submitter. Criteria: GeneDx Variant Classification Process June 2021. Collection method: clinical testing. Allele origin: germline. Affected: yes.
Comment: Not observed in large population cohorts (Lek et al., 2016); In silico analysis, which includes protein predictors and evolutionary conservation, supports a deleterious effect; Has not been previously published as pathogenic or benign to our knowledge